The following is an entry in ClinVar:

NM_001267550.2(TTN):c.45248G>A (p.Arg15083Gln)

Genes: TTN (titin; minus strand), LOC126806427 (BRD4-independent group 4 enhancer GRCh37_chr2:179485777-179486976; plus strand). Cytogenetic location: 2q31.2.
Variant type: single nucleotide variant.
Coding change: c.45248G>A on transcript NM_001267550.2 (MANE Select); coding-DNA position 45248, G replaced by A.
Protein change: p.Arg15083Gln; replaces arginine 15083 with glutamine.
Molecular consequence: missense variant.
Genome position (GRCh38, 1-based): chr2:178,621,576, C>T on the plus strand (G>A on the coding strand, the complement: TTN is on the minus strand). VCF-style: chr2-178621576-C-T. GRCh37 (hg19) VCF-style: chr2-179486303-C-T.
Other names: p.Arg13442Gln; c.40325G>A, p.Arg13442Gln (NM_001256850.1); c.18053G>A, p.Arg6018Gln (NM_003319.4); c.37544G>A, p.Arg12515Gln (NM_133378.4); c.18428G>A, p.Arg6143Gln (NM_133432.3); c.18629G>A, p.Arg6210Gln (NM_133437.4); short protein forms R12515Q, R13442Q, R15083Q, R6018Q, R6143Q, R6210Q.
Identifiers: ClinVar variation 1213001 (VCV001213001.4), dbSNP rs191551032, ClinGen allele CA1995473.
Genomic context (GRCh38, chr2:178,621,576, plus strand): 5'-CGACAGTTGTAGTTGCCAGCATCCTCAAGGTGAGCGTTCTGAATGACCAGGATTCTCTTC[C>T]GTCCTTCAGTCAGTATTTCATATCTTCCTGTTTCAATGATCTCCTCATCCCCTTTATACC-3'
Protein context (NP_001254479.2, residues 15073-15093): TGRYEILTEG[Arg15083Gln]KRILVIQNAH

ClinVar aggregate classification (germline): Conflicting classifications of pathogenicity. Review status: criteria provided, conflicting classifications (1 of 4 stars). 2 submissions from 2 submitters: Uncertain significance (1); Likely benign (1). Last evaluated 2024-03-05.

Allele frequency attached by ClinVar (database versions not stated): gnomAD 0.00001; TOPMed 0.00002; ExAC 0.00004; gnomAD exomes 0.00005.
gnomAD v4.1: 37 of 1,612,322 alleles (0.0023%); highest among the groups gnomAD compares: South Asian, 0.0099%; no homozygotes.

Submissions (2):

Mayo Clinic Laboratories, Mayo Clinic
Classification: Uncertain significance. Last evaluated: 2024-03-05. Review status: criteria provided, single submitter. Criteria: ACMG Guidelines, 2015. Collection method: clinical testing. Allele origin: germline. Observed: 1 variant allele.
Comment: BP4

GeneDx
Classification: Likely benign. Last evaluated: 2020-06-19. Review status: criteria provided, single submitter. Criteria: GeneDx Variant Classification Process June 2021. Collection method: clinical testing. Allele origin: germline. Affected: yes.